The following is an entry in ClinVar:

NM_133642.5(LARGE1):c.1501C>G (p.Leu501Val)

Gene: LARGE1 (LARGE xylosyl- and glucuronyltransferase 1; minus strand). Cytogenetic location: 22q12.3.
Variant type: single nucleotide variant.
Coding change: c.1501C>G on transcript NM_133642.5 (MANE Select); coding-DNA position 1501, C replaced by G.
Protein change: p.Leu501Val; replaces leucine 501 with valine.
Molecular consequence: missense variant.
Genome position (GRCh38, 1-based): chr22:33,304,458, G>C on the plus strand (C>G on the coding strand, the complement: LARGE1 is on the minus strand). VCF-style: chr22-33304458-G-C. GRCh37 (hg19) VCF-style: chr22-33700444-G-C.
Other names: c.1501C>G, p.Leu501Val (NM_001362949.2, NM_001362951.2, NM_001362953.2 and 6 more transcripts); c.1345C>G, p.Leu449Val (NM_001378629.1); c.898C>G, p.Leu300Val (NM_001378630.1); c.742C>G, p.Leu248Val (NM_001378631.1); short protein forms L300V, L501V, L248V, L449V.
Identifiers: ClinVar variation 1447859 (VCV001447859.6), dbSNP rs966974831, ClinGen allele CA323711559.

ClinVar aggregate classification (germline): Uncertain significance (1 of 4 stars; one submission).

Conditions:
Muscular dystrophy-dystroglycanopathy type B6 (MDDGB6). Also called: MUSCULAR DYSTROPHY-DYSTROGLYCANOPATHY (CONGENITAL WITH IMPAIRED INTELLECTUAL DEVELOPMENT), TYPE B, 6; MUSCULAR DYSTROPHY, CONGENITAL, LARGE-RELATED; MUSCULAR DYSTROPHY, CONGENITAL, TYPE 1D. Identifiers: MedGen C1837229, MONDO:0012138, OMIM 608840.

Allele frequency attached by ClinVar (database versions not stated): gnomAD 0.00001; gnomAD exomes 0.00001.
gnomAD v4.1: 16 of 1,612,870 alleles (0.00099%); highest among the groups gnomAD compares: Admixed American, 0.0067%; 1 homozygote.

Submission:

Labcorp Genetics (formerly Invitae), Labcorp
Classification: Uncertain significance for Muscular dystrophy-dystroglycanopathy type B6. Last evaluated: 2023-06-29. Review status: criteria provided, single submitter. Criteria: Invitae Variant Classification Sherloc (09022015). Collection method: clinical testing. Allele origin: germline.
Comment: In summary, the available evidence is currently insufficient to determine the role of this variant in disease. Therefore, it has been classified as a Variant of Uncertain Significance. Advanced modeling of protein sequence and biophysical properties (such as structural, functional, and spatial information, amino acid conservation, physicochemical variation, residue mobility, and thermodynamic stability) performed at Invitae indicates that this missense variant is not expected to disrupt LARGE1 protein function. ClinVar contains an entry for this variant (Variation ID: 1447859). This variant has not been reported in the literature in individuals affected with LARGE1-related conditions. This variant is present in population databases (no rsID available, gnomAD 0.009%), including at least one homozygous and/or hemizygous individual. This sequence change replaces leucine, which is neutral and non-polar, with valine, which is neutral and non-polar, at codon 501 of the LARGE1 protein (p.Leu501Val).